The following is an entry in ClinVar:

ClinVar aggregate classification (germline): Uncertain significance. Review status: criteria provided, multiple submitters, no conflicts (2 of 4 stars). 2 submissions from 2 submitters: Uncertain significance (2). Last evaluated 2025-08-12.

Conditions:
Congenital myasthenic syndrome 8. Also called: MYASTHENIC SYNDROME, CONGENITAL, DUE TO AGRIN DEFICIENCY; Myasthenic syndrome, congenital, 8, with pre- and postsynaptic defects. Identifiers: Orphanet 590, MedGen C3808739, MONDO:0014052, OMIM 615120.
Inborn genetic diseases. Identifiers: MedGen C0950123, MeSH D030342.

Allele frequency attached by ClinVar (database versions not stated): gnomAD 0.00001.
gnomAD v4.1: 40 of 1,613,220 alleles (0.0025%); highest among the groups gnomAD compares: Non-Finnish European, 0.0031%; no homozygotes.

Submissions (2):

Ambry Genetics
Classification: Uncertain significance for Inborn genetic diseases. Last evaluated: 2025-08-12. Review status: criteria provided, single submitter. Criteria: Ambry Variant Classification Scheme 2023. Collection method: clinical testing. Allele origin: germline.

Labcorp Genetics (formerly Invitae), Labcorp
Classification: Uncertain significance for Congenital myasthenic syndrome 8. Last evaluated: 2020-10-28. Review status: criteria provided, single submitter. Criteria: Invitae Variant Classification Sherloc (09022015). Collection method: clinical testing. Allele origin: germline.
Comment: This sequence change replaces alanine with proline at codon 120 of the AGRN protein (p.Ala120Pro). The alanine residue is moderately conserved and there is a small physicochemical difference between alanine and proline. This variant is not present in population databases (ExAC no frequency). This variant has not been reported in the literature in individuals with AGRN-related conditions. Algorithms developed to predict the effect of missense changes on protein structure and function are either unavailable or do not agree on the potential impact of this missense change (SIFT: "Deleterious"; PolyPhen-2: "Probably Damaging"; Align-GVGD: "Class C0"). In summary, the available evidence is currently insufficient to determine the role of this variant in disease. Therefore, it has been classified as a Variant of Uncertain Significance.

NM_198576.4(AGRN):c.358G>C (p.Ala120Pro)

Genes: AGRN (agrin; plus strand), LOC126805576 (P300/CBP strongly-dependent group 1 enhancer GRCh37_chr1:956772-957971; plus strand). Cytogenetic location: 1p36.33.
Variant type: single nucleotide variant.
Coding change: c.358G>C on transcript NM_198576.4 (MANE Select); coding-DNA position 358, G replaced by C.
Protein change: p.Ala120Pro; replaces alanine 120 with proline.
Molecular consequence: missense variant.
Genome position (GRCh38, 1-based): chr1:1,022,357, G>C. VCF-style: chr1-1022357-G-C. GRCh37 (hg19) VCF-style: chr1-957737-G-C.
Other names: c.358G>C, p.Ala120Pro (NM_001305275.2); c.358G>C (NM_198576.3); short protein forms A120P.
Identifiers: ClinVar variation 1063517 (VCV001063517.9), dbSNP rs765443053, ClinGen allele CA16734333.